The following is an entry in ClinVar:

NM_000038.6(APC):c.3439dup (p.Tyr1147fs)

Gene: APC (APC regulator of Wnt signaling pathway; plus strand). Cytogenetic location: 5q22.2.
Variant type: Duplication.
Coding change: c.3439dup on transcript NM_000038.6 (MANE Select); coding-DNA position 3439, one base duplicated (T; older notation c.3439dupT).
Protein change: p.Tyr1147fs; shifts the reading frame from tyrosine 1147.
Molecular consequence: frameshift variant. On other transcripts: non-coding transcript variant (2).
Genome position (GRCh38, 1-based): chr5:112,839,033, T duplicated; the last of 2 consecutive T bases (chr5:112,839,032-112,839,033); duplicating either gives the same sequence. VCF-style (leftmost placement, unchanged base first): chr5-112839031-G-GT. GRCh37 (hg19) VCF-style: chr5-112174728-G-GT.
Other names: c.3439dup, p.Tyr1147fs (NM_001127510.3, NM_001354895.2, NM_001407450.1); c.3385dup, p.Tyr1129fs (NM_001127511.3); c.3493dup, p.Tyr1165fs (NM_001354896.2, NM_001407447.1, NM_001407448.1 and 1 more transcripts); c.3469dup, p.Tyr1157fs (NM_001354897.2); c.3364dup, p.Tyr1122fs (NM_001354898.2); c.3355dup, p.Tyr1119fs (NM_001354899.2); c.3316dup, p.Tyr1106fs (NM_001354900.2); c.3262dup, p.Tyr1088fs (NM_001354901.2, NM_001407453.1); and 11 more; short protein forms Y1018fs, Y1021fs, Y1046fs, Y1056fs, Y1064fs, Y1088fs, Y1106fs, Y1119fs.
Identifiers: ClinVar variation 2583219 (VCV002583219.2), dbSNP rs2533497995, ClinGen allele CA658760919.

ClinVar aggregate classification (germline): Pathogenic (1 of 4 stars; one submission).

Conditions:
Familial adenomatous polyposis 1 (FAP1). Also called: POLYPOSIS, ADENOMATOUS INTESTINAL; FAMILIAL ADENOMATOUS POLYPOSIS 1, ATTENUATED. Identifiers: MedGen C2713442, MONDO:0021056, OMIM 175100. Disease mechanism: loss of function.

Submission:

Myriad Genetics, Inc.
Classification: Pathogenic for Familial adenomatous polyposis 1. Last evaluated: 2023-05-08. Review status: criteria provided, single submitter. Criteria: Myriad Autosomal Dominant, Autosomal Recessive and X-Linked Classification Criteria (2023). Collection method: clinical testing. Allele origin: unknown.
Comment: This variant is considered pathogenic. This variant creates a frameshift predicted to result in premature protein truncation.